The following is an entry in ClinVar:

NM_001330078.2(NRXN1):c.1043C>T (p.Ser348Leu)

Gene: NRXN1 (neurexin 1; minus strand). Cytogenetic location: 2p16.3.
Variant type: single nucleotide variant.
Coding change: c.1043C>T on transcript NM_001330078.2 (MANE Select); coding-DNA position 1043, C replaced by T.
Protein change: p.Ser348Leu; replaces serine 348 with leucine.
Molecular consequence: missense variant.
Genome position (GRCh38, 1-based): chr2:50,623,405, G>A on the plus strand (C>T on the coding strand, the complement: NRXN1 is on the minus strand). VCF-style: chr2-50623405-G-A. GRCh37 (hg19) VCF-style: chr2-50850543-G-A.
Other names: c.1142C>T, p.Ser381Leu (NM_001135659.3); c.1043C>T, p.Ser348Leu (NM_001330077.2, NM_001330082.2, NM_001330085.2 and 3 more transcripts); c.983C>T, p.Ser328Leu (NM_001330083.2, NM_001330084.2, NM_001330087.2 and 1 more transcripts); c.1013C>T, p.Ser338Leu (NM_001330088.2); c.1040C>T, p.Ser347Leu (NM_001330093.2); c.1031C>T, p.Ser344Leu (NM_001330094.2); short protein forms S381L, S344L, S347L, S348L, S328L, S338L.
Identifiers: ClinVar variation 3653219 (VCV003653219.2).

ClinVar aggregate classification (germline): Uncertain significance (1 of 4 stars; one submission).

Conditions:
Pitt-Hopkins-like syndrome 2 (PTHSL2). Identifiers: Orphanet 221150, Orphanet 600663, MedGen C3280479, MONDO:0013690, OMIM 614325.

Submission:

Labcorp Genetics (formerly Invitae), Labcorp
Classification: Uncertain significance for Pitt-Hopkins-like syndrome 2. Last evaluated: 2024-05-13. Review status: criteria provided, single submitter. Criteria: Invitae Variant Classification Sherloc (09022015). Collection method: clinical testing. Allele origin: germline.
Comment: This sequence change replaces serine, which is neutral and polar, with leucine, which is neutral and non-polar, at codon 381 of the NRXN1 protein (p.Ser381Leu). This variant is not present in population databases (gnomAD no frequency). This variant has not been reported in the literature in individuals affected with NRXN1-related conditions. An algorithm developed to predict the effect of missense changes on protein structure and function (PolyPhen-2) suggests that this variant is likely to be disruptive. In summary, the available evidence is currently insufficient to determine the role of this variant in disease. Therefore, it has been classified as a Variant of Uncertain Significance.